The following is an entry in ClinVar:

NM_000553.6(WRN):c.1629C>G (p.Tyr543Ter)

Gene: WRN (WRN RecQ like helicase; plus strand). Cytogenetic location: 8p12.
Variant type: single nucleotide variant.
Coding change: c.1629C>G on transcript NM_000553.6 (MANE Select); coding-DNA position 1629, C replaced by G.
Protein change: p.Tyr543Ter; replaces tyrosine 543 with a stop codon.
Molecular consequence: nonsense.
Genome position (GRCh38, 1-based): chr8:31,088,942, C>G. VCF-style: chr8-31088942-C-G. GRCh37 (hg19) VCF-style: chr8-30946458-C-G.
Other names: short protein forms Y543*.
Identifiers: ClinVar variation 1398429 (VCV001398429.6), dbSNP rs2130164025, ClinGen allele CA370926433.

ClinVar aggregate classification (germline): Pathogenic (1 of 4 stars; one submission).

Conditions:
Werner syndrome (WRN). Identifiers: Orphanet 902, MedGen C0043119, MONDO:0010196, OMIM 277700.

Submission:

Labcorp Genetics (formerly Invitae), Labcorp
Classification: Pathogenic for Werner syndrome. Last evaluated: 2021-01-28. Review status: criteria provided, single submitter. Criteria: Invitae Variant Classification Sherloc (09022015). Collection method: clinical testing. Allele origin: germline.
Comment: For these reasons, this variant has been classified as Pathogenic. This variant has not been reported in the literature in individuals with WRN-related conditions. This variant is not present in population databases (ExAC no frequency). This sequence change creates a premature translational stop signal (p.Tyr543*) in the WRN gene. It is expected to result in an absent or disrupted protein product. Loss-of-function variants in WRN are known to be pathogenic (PMID: 16673358).

Literature cited by the submitters: PubMed 16673358.